The following is an entry in ClinVar:

NM_001243133.2(NLRP3):c.2322-76C>T

Gene: NLRP3 (NLR family pyrin domain containing 3; plus strand). Cytogenetic location: 1q44.
Variant type: single nucleotide variant.
Coding change: c.2322-76C>T on transcript NM_001243133.2 (MANE Select); 76 bases into the intron before coding-DNA position 2322, C replaced by T.
Molecular consequence: intron variant.
Genome position (GRCh38, 1-based): chr1:247,434,027, C>T. VCF-style: chr1-247434027-C-T. GRCh37 (hg19) VCF-style: chr1-247597329-C-T.
Other names: c.2328-76C>T (NM_004895.5); c.2322-76C>T (NM_001127461.3, NM_001079821.3); c.2151-76C>T (NM_001127462.3, NM_183395.3).
Identifiers: ClinVar variation 2628109 (VCV002628109.2), dbSNP rs12124866, ClinGen allele CA16086365.

ClinVar aggregate classification (germline): Benign (1 of 4 stars; one submission).

Allele frequency attached by ClinVar (database versions not stated): gnomAD 0.91701; 1000 Genomes Project 0.91773; TOPMed 0.92437.

Submission:

Unidad de Genómica Garrahan, Hospital de Pediatría Garrahan
Classification: Benign. Last evaluated: 2023-11-12. Review status: criteria provided, single submitter. Criteria: ACMG Guidelines, 2015. Collection method: clinical testing. Allele origin: germline. Affected: no. Observed: 79 variant alleles.
Comment: This variant is classified as Benign based on local population frequency. This variant was detected in 82% of patients studied by a panel of primary immunodeficiencies. Number of patients: 79. Only high quality variants are reported.